The following is an entry in ClinVar:

ClinVar aggregate classification (germline): Conflicting classifications of pathogenicity. Review status: criteria provided, conflicting classifications (1 of 4 stars). 4 submissions from 4 submitters: Uncertain significance (3); Likely benign (1). Last evaluated 2026-01-12.

Conditions:
Hereditary cancer-predisposing syndrome. Also called: Neoplastic Syndromes, Hereditary; Tumor predisposition; Hereditary neoplastic syndrome; Hereditary Cancer Syndrome. Identifiers: Orphanet 140162, MedGen C0027672, MeSH D009386, MONDO:0015356.

Allele frequency attached by ClinVar (database versions not stated): gnomAD exomes 0.00001; ExAC 0.00002.
gnomAD v4.1: 2 of 1,592,320 alleles (0.00013%); highest among the groups gnomAD compares: African/African-American, 0.0013%; no homozygotes.

Submissions (4):

Labcorp Genetics (formerly Invitae), Labcorp
Classification: Uncertain significance. Last evaluated: 2026-01-12. Review status: criteria provided, single submitter. Criteria: Invitae Variant Classification Sherloc (09022015). Collection method: clinical testing. Allele origin: germline.
Comment: This sequence change replaces alanine, which is neutral and non-polar, with valine, which is neutral and non-polar, at codon 14 of the NTHL1 protein (p.Ala14Val). The frequency data for this variant in the population databases is considered unreliable, as metrics indicate poor data quality at this position in the gnomAD database. This variant has not been reported in the literature in individuals affected with NTHL1-related conditions. ClinVar contains an entry for this variant (Variation ID: 824670). An algorithm developed to predict the effect of missense changes on protein structure and function outputs the following: PolyPhen-2: "Benign". The valine amino acid residue is found in multiple mammalian species, which suggests that this missense change does not adversely affect protein function. In summary, the available evidence is currently insufficient to determine the role of this variant in disease. Therefore, it has been classified as a Variant of Uncertain Significance.

Quest Diagnostics Nichols Institute San Juan Capistrano
Classification: Uncertain significance. Last evaluated: 2025-05-02. Review status: criteria provided, single submitter. Criteria: Quest Diagnostics criteria. Collection method: clinical testing. Allele origin: unknown.
Comment: The NTHL1 c.41C>T (p.Ala14Val) variant has not been reported in individuals with NTHL1-related conditions in the published literature. The frequency of this variant in the general population (Genome Aggregation Database) is uninformative in the assessment of its pathogenicity. Analysis of this variant using bioinformatics tools for the prediction of the effect of amino acid changes on protein structure and function yielded predictions that this variant is benign. Based on the available information, we are unable to determine the clinical significance of this variant.

Sema4
Classification: Uncertain significance for Hereditary cancer-predisposing syndrome. Last evaluated: 2022-01-27. Review status: criteria provided, single submitter. Criteria: Sema4 Curation Guidelines. Collection method: curation. Allele origin: germline.
Comment: The NTHL1 c.41C>T (p.A14V) variant has not been reported in the literature to our knowledge. It was observed in 1/93554 chromosomes of the Non-Finnish European subpopulation in the large and broad cohorts of the Genome Aggregation Database (PMID: 32461654). The variant has been reported in ClinVar (Variation ID 824670). In silico tools suggest the impact of the variant on protein function is benign, though these predictions have not been confirmed by functional studies. There is no indication that this variant causes disease, but the evidence is insufficient currently to prove that conclusively. Thus, the clinical significance of this variant is currently uncertain.

Ambry Genetics
Classification: Likely benign for Hereditary cancer-predisposing syndrome. Last evaluated: 2019-04-01. Review status: criteria provided, single submitter. Criteria: Ambry Variant Classification Scheme 2023. Collection method: clinical testing. Allele origin: germline.

NM_002528.7(NTHL1):c.17C>T (p.Ala6Val)

Gene: NTHL1 (nth like DNA glycosylase 1; minus strand). Cytogenetic location: 16p13.3.
Variant type: single nucleotide variant.
Coding change: c.17C>T on transcript NM_002528.7 (MANE Select); coding-DNA position 17, C replaced by T.
Protein change: p.Ala6Val; replaces alanine 6 with valine.
Molecular consequence: missense variant. On other transcripts: 5 prime UTR variant (1).
Genome position (GRCh38, 1-based): chr16:2,047,807, G>A on the plus strand (C>T on the coding strand, the complement: NTHL1 is on the minus strand). VCF-style: chr16-2047807-G-A. GRCh37 (hg19) VCF-style: chr16-2097808-G-A.
Other names: c.17C>T, p.Ala6Val (NM_001318193.2); c.-162C>T (NM_001318194.2); short protein forms A6V.
Identifiers: ClinVar variation 824670 (VCV000824670.14), dbSNP rs767282292, ClinGen allele CA027730.